The following is an entry in ClinVar:

ClinVar aggregate classification (germline): Uncertain significance. Review status: criteria provided, multiple submitters, no conflicts (2 of 4 stars). 2 submissions from 2 submitters: Uncertain significance (2). Last evaluated 2025-10-27.

Conditions:
Dilated cardiomyopathy 1J (CMD1J). Also called: CARDIOMYOPATHY, DILATED, WITH SENSORINEURAL HEARING LOSS, AUTOSOMAL DOMINANT. Identifiers: Orphanet 217622, MedGen C1854368, MONDO:0011541, OMIM 605362.
Cardiovascular phenotype. Identifiers: MedGen CN230736.

Submissions (2):

Labcorp Genetics (formerly Invitae), Labcorp
Classification: Uncertain significance for Dilated cardiomyopathy 1J. Last evaluated: 2025-10-27. Review status: criteria provided, single submitter. Criteria: Invitae Variant Classification Sherloc (09022015). Collection method: clinical testing. Allele origin: germline.
Comment: This sequence change replaces glutamine, which is neutral and polar, with leucine, which is neutral and non-polar, at codon 23 of the EYA4 protein (p.Gln23Leu). This variant is not present in population databases (gnomAD no frequency). This variant has not been reported in the literature in individuals affected with EYA4-related conditions. ClinVar contains an entry for this variant (Variation ID: 4020621). An algorithm developed to predict the effect of missense changes on protein structure and function (PolyPhen-2) suggests that this variant is likely to be tolerated. In summary, the available evidence is currently insufficient to determine the role of this variant in disease. Therefore, it has been classified as a Variant of Uncertain Significance.

Ambry Genetics
Classification: Uncertain significance for Cardiovascular phenotype. Last evaluated: 2025-04-08. Review status: criteria provided, single submitter. Criteria: Ambry Variant Classification Scheme 2023. Collection method: clinical testing. Allele origin: germline.

NM_004100.5(EYA4):c.68A>T (p.Gln23Leu)

Gene: EYA4 (EYA transcriptional coactivator and phosphatase 4; plus strand). Cytogenetic location: 6q23.2.
Variant type: single nucleotide variant.
Coding change: c.68A>T on transcript NM_004100.5 (MANE Select); coding-DNA position 68, A replaced by T.
Protein change: p.Gln23Leu; replaces glutamine 23 with leucine.
Molecular consequence: missense variant.
Genome position (GRCh38, 1-based): chr6:133,382,426, A>T. VCF-style: chr6-133382426-A-T. GRCh37 (hg19) VCF-style: chr6-133703564-A-T.
Other names: c.68A>T, p.Gln23Leu (NM_001301012.2, NM_001301013.2, NM_001370458.1 and 3 more transcripts); short protein forms Q23L.
Identifiers: ClinVar variation 4020621 (VCV004020621.2).